The following is an entry in ClinVar:

ClinVar aggregate classification (germline): Pathogenic (1 of 4 stars; one submission).

Submission:

ISCA site 15
Classification: Pathogenic. Last evaluated: 2011-08-12. Review status: criteria provided, single submitter. Criteria: Kaminsky et al. (Genet Med. 2011). Collection method: clinical testing. Allele origin: unknown. Affected: yes. Observed: 1 variant allele.
Comment: Copy number variation identified through the course of routine clinical cytogenomic testing in postnatal populations. Clinical assertions have been curated as described in Kaminsky et al. 2011.

GRCh38/hg38 19q13.33-13.43(chr19:49907832-58557889)x3

Genes: A1BG (alpha-1-B glycoprotein; minus strand), A1BG-AS1 (A1BG antisense RNA 1; plus strand), ACP4 (acid phosphatase 4; plus strand), ASPDH (aspartate dehydrogenase domain containing; minus strand), ATF5 (activating transcription factor 5; plus strand) and 805 more. Cytogenetic location: 19q13.33-13.43.
Variant type: copy number gain.
Change: copy number 3 (three copies instead of two) of chr19:49,907,832-58,557,889 (8.65 Mb, GRCh38 coordinates, 1-based), cytogenetic band 19q13.33-13.43.
Identifiers: ClinVar variation 59126 (VCV000059126.1).